The following is an entry in ClinVar:

NM_024577.4(SH3TC2):c.609T>G (p.Asn203Lys)

Gene: SH3TC2 (SH3 domain and tetratricopeptide repeats 2; minus strand). Cytogenetic location: 5q32.
Variant type: single nucleotide variant.
Coding change: c.609T>G on transcript NM_024577.4 (MANE Select); coding-DNA position 609, T replaced by G.
Protein change: p.Asn203Lys; replaces asparagine 203 with lysine.
Molecular consequence: missense variant.
Genome position (GRCh38, 1-based): chr5:149,041,538, A>C on the plus strand (T>G on the coding strand, the complement: SH3TC2 is on the minus strand). VCF-style: chr5-149041538-A-C. GRCh37 (hg19) VCF-style: chr5-148421101-A-C.
Other names: short protein forms N203K.
Identifiers: ClinVar variation 1399462 (VCV001399462.8), dbSNP rs1754371704, ClinGen allele CA361674660.

ClinVar aggregate classification (germline): Uncertain significance (1 of 4 stars; one submission).

Conditions:
Charcot-Marie-Tooth disease type 4. Also called: Charcot-Marie-Tooth disease, type IV; Charcot-Marie-Tooth, Type 4. Identifiers: Orphanet 64749, MedGen C4082197, MONDO:0018995.

gnomAD v4.1: 1 of 1,614,208 alleles (0.000062%); highest among the groups gnomAD compares: Non-Finnish European, 0.000085%; no homozygotes.

Submission:

Labcorp Genetics (formerly Invitae), Labcorp
Classification: Uncertain significance for Charcot-Marie-Tooth disease type 4. Last evaluated: 2024-01-02. Review status: criteria provided, single submitter. Criteria: Invitae Variant Classification Sherloc (09022015). Collection method: clinical testing. Allele origin: germline.
Comment: This sequence change replaces asparagine, which is neutral and polar, with lysine, which is basic and polar, at codon 203 of the SH3TC2 protein (p.Asn203Lys). This variant is not present in population databases (gnomAD no frequency). This variant has not been reported in the literature in individuals affected with SH3TC2-related conditions. ClinVar contains an entry for this variant (Variation ID: 1399462). Advanced modeling of protein sequence and biophysical properties (such as structural, functional, and spatial information, amino acid conservation, physicochemical variation, residue mobility, and thermodynamic stability) performed at Invitae indicates that this missense variant is not expected to disrupt SH3TC2 protein function with a negative predictive value of 95%. In summary, the available evidence is currently insufficient to determine the role of this variant in disease. Therefore, it has been classified as a Variant of Uncertain Significance.